The following is an entry in ClinVar:

ClinVar aggregate classification (germline): Uncertain significance. Review status: criteria provided, multiple submitters, no conflicts (2 of 4 stars). 2 submissions from 2 submitters: Uncertain significance (2). Last evaluated 2023-04-26.

Conditions:
Lethal multiple pterygium syndrome (LMPS). Identifiers: Orphanet 33108, MedGen C1854678, MONDO:0009668, OMIM 253290.

Allele frequency attached by ClinVar (database versions not stated): gnomAD exomes 0.00001; ExAC 0.00002.
gnomAD v4.1: 4 of 1,614,194 alleles (0.00025%); highest among the groups gnomAD compares: Non-Finnish European, 0.00025%; no homozygotes.

Submissions (2):

Labcorp Genetics (formerly Invitae), Labcorp
Classification: Uncertain significance for Lethal multiple pterygium syndrome. Last evaluated: 2023-04-26. Review status: criteria provided, single submitter. Criteria: Invitae Variant Classification Sherloc (09022015). Collection method: clinical testing. Allele origin: germline.
Comment: In summary, the available evidence is currently insufficient to determine the role of this variant in disease. Therefore, it has been classified as a Variant of Uncertain Significance. Advanced modeling of protein sequence and biophysical properties (such as structural, functional, and spatial information, amino acid conservation, physicochemical variation, residue mobility, and thermodynamic stability) performed at Invitae indicates that this missense variant is not expected to disrupt CHRNA1 protein function. ClinVar contains an entry for this variant (Variation ID: 2440021). This variant has not been reported in the literature in individuals affected with CHRNA1-related conditions. This variant is present in population databases (rs747224747, gnomAD 0.002%). This sequence change replaces proline, which is neutral and non-polar, with arginine, which is basic and polar, at codon 377 of the CHRNA1 protein (p.Pro377Arg).

Revvity Omics, Revvity
Classification: Uncertain significance. Last evaluated: 2019-08-31. Review status: criteria provided, single submitter. Criteria: ACMG Guidelines, 2015. Collection method: clinical testing. Allele origin: germline.

NM_000079.4(CHRNA1):c.1130C>G (p.Pro377Arg)

Gene: CHRNA1 (cholinergic receptor nicotinic alpha 1 subunit; minus strand). Cytogenetic location: 2q31.1.
Variant type: single nucleotide variant.
Coding change: c.1130C>G on transcript NM_000079.4 (MANE Select); coding-DNA position 1130, C replaced by G.
Protein change: p.Pro377Arg; replaces proline 377 with arginine.
Molecular consequence: missense variant.
Genome position (GRCh38, 1-based): chr2:174,748,692, G>C on the plus strand (C>G on the coding strand, the complement: CHRNA1 is on the minus strand). VCF-style: chr2-174748692-G-C. GRCh37 (hg19) VCF-style: chr2-175613420-G-C.
Other names: c.1205C>G, p.Pro402Arg (NM_001039523.3); short protein forms P377R, P402R.
Identifiers: ClinVar variation 2440021 (VCV002440021.6), dbSNP rs747224747, ClinGen allele CA1974365.